The following is an entry in ClinVar:

ClinVar aggregate classification (germline): Likely pathogenic (1 of 4 stars; one submission).

Conditions:
VPS13A-related neurodegenerative disease. Also called: LEVINE-CRITCHLEY SYNDROME; Choreaacanthocytosis; ACANTHOCYTOSIS WITH NEUROLOGIC DISORDER; Choreoacanthocytosis; Chorea-acanthocytosis; VPS13A Disease. Identifiers: Orphanet 2388, MedGen C0393576, MONDO:0008695, OMIM 200150.

Submission:

Natera, Inc.
Classification: Likely pathogenic for Choreaacanthocytosis. Last evaluated: 2024-12-03. Review status: criteria provided, single submitter. Criteria: Natera Variant Classification Schema (03/2026). Collection method: clinical testing. Allele origin: germline.
Comment: The c.9319dup variant in VPS13A is a frameshift variant predicted to shift the reading frame beginning at codon 3107 and leads to a stop codon 2 codons downstream. This variant is expected to result in nonsense mediated decay, truncation, or a dysfunctional protein product. This variant is rare in the general population with a frequency below the threshold expected for the associated phenotype(s). Given the available evidence, this variant is classified as Likely Pathogenic.

NM_033305.3(VPS13A):c.9319dup (p.Cys3107fs)

Gene: VPS13A (vacuolar protein sorting 13 homolog A; plus strand). Cytogenetic location: 9q21.2.
Variant type: Duplication.
Coding change: c.9319dup on transcript NM_033305.3 (MANE Select); coding-DNA position 9319, one base duplicated (T; older notation c.9319dupT).
Protein change: p.Cys3107fs; shifts the reading frame from cysteine 3107.
Molecular consequence: frameshift variant.
Genome position (GRCh38, 1-based): chr9:77,405,907, T duplicated. VCF-style (leftmost placement, unchanged base first): chr9-77405906-G-GT. GRCh37 (hg19) VCF-style: chr9-80020822-G-GT.
Other names: c.9202dup, p.Cys3068fs (NM_001018037.2); short protein forms C3068fs, C3107fs.
Identifiers: ClinVar variation 4816436 (VCV004816436.1).